The following is an entry in ClinVar:

ClinVar aggregate classification (germline): Uncertain significance (1 of 4 stars; one submission).

Conditions:
Autosomal dominant polycystic kidney disease. Identifiers: Orphanet 730, MedGen C0085413, MONDO:0004691.

gnomAD v4.1: 1 of 1,447,538 alleles (0.000069%); highest among the groups gnomAD compares: African/African-American, 0.0014%; no homozygotes.

Submission:

Labcorp Genetics (formerly Invitae), Labcorp
Classification: Uncertain significance for Autosomal dominant polycystic kidney disease. Last evaluated: 2025-08-03. Review status: criteria provided, single submitter. Criteria: Invitae Variant Classification Sherloc (09022015). Collection method: clinical testing. Allele origin: germline.
Comment: This sequence change replaces isoleucine, which is neutral and non-polar, with leucine, which is neutral and non-polar, at codon 236 of the PKD2 protein (p.Ile236Leu). This variant is not present in population databases (gnomAD no frequency). This variant has not been reported in the literature in individuals affected with PKD2-related conditions. Invitae Evidence Modeling of protein sequence and biophysical properties (such as structural, functional, and spatial information, amino acid conservation, physicochemical variation, residue mobility, and thermodynamic stability) indicates that this missense variant is not expected to disrupt PKD2 protein function with a negative predictive value of 80%. In summary, the available evidence is currently insufficient to determine the role of this variant in disease. Therefore, it has been classified as a Variant of Uncertain Significance.

NM_000297.4(PKD2):c.706A>C (p.Ile236Leu)

Gene: PKD2 (polycystin 2, transient receptor potential cation channel; plus strand). Cytogenetic location: 4q22.1.
Variant type: single nucleotide variant.
Coding change: c.706A>C on transcript NM_000297.4 (MANE Select); coding-DNA position 706, A replaced by C.
Protein change: p.Ile236Leu; replaces isoleucine 236 with leucine.
Molecular consequence: missense variant. On other transcripts: non-coding transcript variant (1).
Genome position (GRCh38, 1-based): chr4:88,019,568, A>C. VCF-style: chr4-88019568-A-C. GRCh37 (hg19) VCF-style: chr4-88940720-A-C.
Other names: c.706A>C, p.Ile236Leu (NM_001440544.1); short protein forms I236L.
Identifiers: ClinVar variation 4809455 (VCV004809455.1).